The following is an entry in ClinVar:

ClinVar aggregate classification (germline): Uncertain significance (1 of 4 stars; one submission).

Allele frequency attached by ClinVar (database versions not stated): gnomAD exomes below 0.00001; TOPMed below 0.00001.
gnomAD v4.1: 1 of 1,613,322 alleles (0.000062%); highest among the groups gnomAD compares: Non-Finnish European, 0.000085%; no homozygotes.

Submission:

Labcorp Genetics (formerly Invitae), Labcorp
Classification: Uncertain significance. Last evaluated: 2021-12-03. Review status: criteria provided, single submitter. Criteria: Invitae Variant Classification Sherloc (09022015). Collection method: clinical testing. Allele origin: germline.
Comment: In summary, the available evidence is currently insufficient to determine the role of this variant in disease. Therefore, it has been classified as a Variant of Uncertain Significance. This sequence change replaces lysine, which is basic and polar, with glutamic acid, which is acidic and polar, at codon 756 of the ATP8A2 protein (p.Lys756Glu). This variant is not present in population databases (gnomAD no frequency). This variant has not been reported in the literature in individuals affected with ATP8A2-related conditions. Algorithms developed to predict the effect of missense changes on protein structure and function (SIFT, PolyPhen-2, Align-GVGD) all suggest that this variant is likely to be tolerated.

NM_016529.6(ATP8A2):c.2266A>G (p.Lys756Glu)

Gene: ATP8A2 (ATPase phospholipid transporting 8A2). Cytogenetic location: 13q12.13.
Variant type: single nucleotide variant.
Coding change: c.2266A>G on transcript NM_016529.6 (MANE Select); coding-DNA position 2266, A replaced by G.
Protein change: p.Lys756Glu; replaces lysine 756 with glutamic acid.
Molecular consequence: missense variant.
Genome position (GRCh38, 1-based): chr13:25,699,227, A>G. VCF-style: chr13-25699227-A-G. GRCh37 (hg19) VCF-style: chr13-26273365-A-G.
Other names: c.2146A>G, p.Lys716Glu (NM_001313741.1); short protein forms K756E, K716E.
Identifiers: ClinVar variation 1433086 (VCV001433086.6), dbSNP rs2042898698, ClinGen allele CA387680742.